The following is an entry in ClinVar:

ClinVar aggregate classification (germline): Uncertain significance (1 of 4 stars; one submission).

Conditions:
Dyskeratosis congenita. Identifiers: Orphanet 1775, MedGen C0265965, MONDO:0015780.

Submission:

Ambry Genetics
Classification: Uncertain significance for Dyskeratosis congenita. Last evaluated: 2024-02-22. Review status: criteria provided, single submitter. Criteria: Ambry Variant Classification Scheme 2023. Collection method: clinical testing. Allele origin: germline.
Comment: The p.R669L variant (also known as c.2006G>T), located in coding exon 5 of the TERT gene, results from a G to T substitution at nucleotide position 2006. The arginine at codon 669 is replaced by leucine, an amino acid with dissimilar properties. This amino acid position is conserved. In addition, this alteration is predicted to be deleterious by in silico analysis. Based on the available evidence, the clinical significance of this alteration remains unclear.

NM_198253.3(TERT):c.2006G>T (p.Arg669Leu)

Gene: TERT (telomerase reverse transcriptase; minus strand). Cytogenetic location: 5p15.33.
Variant type: single nucleotide variant.
Coding change: c.2006G>T on transcript NM_198253.3 (MANE Select); coding-DNA position 2006, G replaced by T.
Protein change: p.Arg669Leu; replaces arginine 669 with leucine.
Molecular consequence: missense variant. On other transcripts: non-coding transcript variant (2).
Genome position (GRCh38, 1-based): chr5:1,279,415, C>A on the plus strand (G>T on the coding strand, the complement: TERT is on the minus strand). VCF-style: chr5-1279415-C-A. GRCh37 (hg19) VCF-style: chr5-1279530-C-A.
Other names: c.2006G>T, p.Arg669Leu (NM_001193376.3, NM_003219.1); short protein forms R669L.
Identifiers: ClinVar variation 3238535 (VCV003238535.1), dbSNP rs1749858434.